The following is an entry in ClinVar:

NM_000341.4(SLC3A1):c.1381T>C (p.Tyr461His)

Gene: SLC3A1 (solute carrier family 3 member 1; plus strand). Cytogenetic location: 2p21.
Variant type: single nucleotide variant.
Coding change: c.1381T>C on transcript NM_000341.4 (MANE Select); coding-DNA position 1381, T replaced by C.
Protein change: p.Tyr461His; replaces tyrosine 461 with histidine.
Molecular consequence: missense variant.
Genome position (GRCh38, 1-based): chr2:44,312,634, T>C. VCF-style: chr2-44312634-T-C. GRCh37 (hg19) VCF-style: chr2-44539773-T-C.
Other names: short protein forms Y461H.
Identifiers: ClinVar variation 285310 (VCV000285310.19), dbSNP rs144162964, ClinGen allele CA1640572.

ClinVar aggregate classification (germline): Conflicting classifications of pathogenicity. Review status: criteria provided, conflicting classifications (1 of 4 stars). 7 submissions from 7 submitters: Uncertain significance (6); Benign (1). Last evaluated 2026-07-01.

Conditions:
Cystinuria (CSNU). Also called: Cystinuria, non-type I; CYSTINURIA, TYPE I; CYSTINURIA, TYPE II; CYSTINURIA, TYPE III. Identifiers: Orphanet 214, MedGen C0010691, MONDO:0009067, OMIM 220100, HP:0003131.

Allele frequency attached by ClinVar (database versions not stated): gnomAD 0.00046 and 0.00044; TOPMed 0.00054; ESP Exome Variant Server 0.00062; ExAC 0.00063; 1000 Genomes Project 0.00080; gnomAD exomes 0.00082 and 0.00040; 1000 Genomes Project 30x 0.00109.
gnomAD v4.1: 704 of 1,613,938 alleles (0.044%); highest among the groups gnomAD compares: Middle Eastern, 0.066%; 2 homozygotes.

Submissions (7):

GeneDx
Classification: Uncertain significance. Last evaluated: 2026-07-01. Review status: criteria provided, single submitter. Criteria: GeneDx Variant Classification Process June 2021. Collection method: clinical testing. Allele origin: germline.
Comment: In silico analysis supports that this missense variant has a deleterious effect on protein structure/function; This variant is associated with the following publications: (PMID: 9186880, 34426522, 28812535, 11748844, 25109415, 28800606, 37716586, 33680451, 30476936)

Labcorp Genetics (formerly Invitae), Labcorp
Classification: Benign for Cystinuria. Last evaluated: 2025-12-03. Review status: criteria provided, single submitter. Criteria: Invitae Variant Classification Sherloc (09022015). Collection method: clinical testing. Allele origin: germline.

Blueprint Genetics
Classification: Uncertain significance. Last evaluated: 2024-10-31. Review status: criteria provided, single submitter. Criteria: ACMG Guidelines, 2015. Collection method: clinical testing. Allele origin: germline.

Fulgent Genetics
Classification: Uncertain significance for Cystinuria. Last evaluated: 2024-02-02. Review status: criteria provided, single submitter. Criteria: ACMG Guidelines, 2015. Collection method: clinical testing. Allele origin: germline.

CENTOGENE GmbH and LLC - Guiding Precision Medicine
Classification: Uncertain significance for Cystinuria. Last evaluated: 2021-08-27. Review status: criteria provided, single submitter. Criteria: ACMG Guidelines, 2015. Collection method: clinical testing. Allele origin: germline. Affected: yes.

Illumina Laboratory Services, Illumina
Classification: Uncertain significance for Cystinuria. Last evaluated: 2017-04-27. Review status: criteria provided, single submitter. Criteria: ICSL Variant Classification Criteria 13 December 2019. Collection method: clinical testing. Allele origin: germline.
Comment: This variant was observed as part of a predisposition screen in an ostensibly healthy population. A literature search was performed for the gene, cDNA change, and amino acid change (where applicable). Publications were found based on this search. However, the evidence from the literature, in combination with allele frequency data from public databases where available, was not sufficient to rule this variant in or out of causing disease. Therefore, this variant is classified as a variant of unknown significance.

Eurofins Ntd Llc (ga)
Classification: Uncertain significance. Last evaluated: 2015-12-15. Review status: criteria provided, single submitter. Criteria: EGL Classification Definitions 2015. Collection method: clinical testing. Allele origin: germline. Observed: 1 variant allele, 1 heterozygote.

Literature cited by the submitters: PubMed 9186880 (cited by Illumina Laboratory Services, Illumina); PubMed 9719865 (cited by Illumina Laboratory Services, Illumina).